The following is an entry in ClinVar:

ClinVar aggregate classification (germline): Uncertain significance. Review status: criteria provided, multiple submitters, no conflicts (2 of 4 stars). 3 submissions from 3 submitters: Uncertain significance (3). Last evaluated 2025-06-09.

Conditions:
POLD1-related polyposis and colorectal cancer syndrome (CRCS10). Also called: Colorectal cancer, susceptibility to, 10; Colorectal cancer 10; COLORECTAL CANCER, SUSCEPTIBILITY TO, ON CHROMOSOME 19q. Identifiers: Orphanet 220460, MedGen C2675481, MONDO:0012953, OMIM 612591.
Hereditary cancer-predisposing syndrome. Also called: Hereditary neoplastic syndrome; Tumor predisposition; Hereditary Cancer Syndrome; Neoplastic Syndromes, Hereditary. Identifiers: Orphanet 140162, MedGen C0027672, MeSH D009386, MONDO:0015356.

Allele frequency attached by ClinVar (database versions not stated): gnomAD exomes below 0.00001 and 0.00001; ExAC 0.00001; gnomAD 0.00001 and 0.00003; TOPMed 0.00001; ESP Exome Variant Server 0.00008.
gnomAD v4.1: 15 of 1,613,732 alleles (0.00093%); highest among the groups gnomAD compares: Middle Eastern, 0.016%; no homozygotes.

Submissions (3):

Labcorp Genetics (formerly Invitae), Labcorp
Classification: Uncertain significance for POLD1-related polyposis and colorectal cancer syndrome. Last evaluated: 2025-06-09. Review status: criteria provided, single submitter. Criteria: Invitae Variant Classification Sherloc (09022015). Collection method: clinical testing. Allele origin: germline.
Comment: This sequence change replaces alanine, which is neutral and non-polar, with threonine, which is neutral and polar, at codon 127 of the POLD1 protein (p.Ala127Thr). The frequency data for this variant in the population databases is considered unreliable, as metrics indicate poor data quality at this position in the gnomAD database. This variant has not been reported in the literature in individuals affected with POLD1-related conditions. ClinVar contains an entry for this variant (Variation ID: 660121). Invitae Evidence Modeling of protein sequence and biophysical properties (such as structural, functional, and spatial information, amino acid conservation, physicochemical variation, residue mobility, and thermodynamic stability) indicates that this missense variant is not expected to disrupt POLD1 protein function with a negative predictive value of 80%. In summary, the available evidence is currently insufficient to determine the role of this variant in disease. Therefore, it has been classified as a Variant of Uncertain Significance.

Ambry Genetics
Classification: Uncertain significance for Hereditary cancer-predisposing syndrome. Last evaluated: 2024-12-16. Review status: criteria provided, single submitter. Criteria: Ambry Variant Classification Scheme 2023. Collection method: clinical testing. Allele origin: germline.
Comment: The p.A127T variant (also known as c.379G>A), located in coding exon 3 of the POLD1 gene, results from a G to A substitution at nucleotide position 379. The alanine at codon 127 is replaced by threonine, an amino acid with similar properties. This amino acid position is conserved. In addition, this alteration is predicted to be tolerated by in silico analysis. Based on the available evidence, the clinical significance of this variant remains unclear.

GeneDx
Classification: Uncertain significance. Last evaluated: 2023-04-10. Review status: criteria provided, single submitter. Criteria: GeneDx Variant Classification Process June 2021. Collection method: clinical testing. Allele origin: germline. Affected: yes.
Comment: Not observed at significant frequency in large population cohorts (gnomAD); In silico analysis supports that this missense variant does not alter protein structure/function; Has not been previously published as pathogenic or benign to our knowledge

NM_002691.4(POLD1):c.379G>A (p.Ala127Thr)

Gene: POLD1 (DNA polymerase delta 1, catalytic subunit; plus strand). Cytogenetic location: 19q13.33.
Variant type: single nucleotide variant.
Coding change: c.379G>A on transcript NM_002691.4 (MANE Select); coding-DNA position 379, G replaced by A.
Protein change: p.Ala127Thr; replaces alanine 127 with threonine.
Molecular consequence: missense variant. On other transcripts: non-coding transcript variant (1).
Genome position (GRCh38, 1-based): chr19:50,401,840, G>A. VCF-style: chr19-50401840-G-A. GRCh37 (hg19) VCF-style: chr19-50905097-G-A.
Other names: c.379G>A, p.Ala127Thr (NM_001256849.1, NM_001308632.1); c.379G>A (NM_002691.2); short protein forms A127T.
Identifiers: ClinVar variation 660121 (VCV000660121.10), dbSNP rs372299975, ClinGen allele CA9595716.